The following is an entry in ClinVar:

NM_000787.4(DBH):c.850G>A (p.Asp284Asn)

Gene: DBH (dopamine beta-hydroxylase; plus strand). Cytogenetic location: 9q34.2.
Variant type: single nucleotide variant.
Coding change: c.850G>A on transcript NM_000787.4 (MANE Select); coding-DNA position 850, G replaced by A.
Protein change: p.Asp284Asn; replaces aspartic acid 284 with asparagine.
Molecular consequence: missense variant.
Genome position (GRCh38, 1-based): chr9:133,643,518, G>A. VCF-style: chr9-133643518-G-A. GRCh37 (hg19) VCF-style: chr9-136508640-G-A.
Other names: short protein forms D284N.
Identifiers: ClinVar variation 529774 (VCV000529774.15), dbSNP rs13306301, ClinGen allele CA5313212.

ClinVar aggregate classification (germline): Benign/Likely benign. Review status: criteria provided, multiple submitters, no conflicts (2 of 4 stars). 3 submissions from 3 submitters: Benign (1); Likely benign (2). Last evaluated 2025-10-11.

Conditions:
Orthostatic hypotension 1 (ORTHYP1). Also called: Orthostatic hypotension 1, due to DBH deficiency; NORADRENALINE DEFICIENCY; NOREPINEPHRINE DEFICIENCY; Dopamine beta-hydroxylase deficiency. Identifiers: Orphanet 230, MedGen C4746777, MONDO:0009123, OMIM 223360.
DBH-related disorder. Also called: DBH-related condition.

Allele frequency attached by ClinVar (database versions not stated): gnomAD 0.00020 and 0.00030; TOPMed 0.00045; gnomAD exomes 0.00055; ExAC 0.00062; 1000 Genomes Project 30x 0.00172; 1000 Genomes Project 0.00220.
gnomAD v4.1: 412 of 1,613,578 alleles (0.026%); highest among the groups gnomAD compares: East Asian, 0.83%; 1 homozygote.

Submissions (3):

Labcorp Genetics (formerly Invitae), Labcorp
Classification: Likely benign for Orthostatic hypotension 1. Last evaluated: 2025-10-11. Review status: criteria provided, single submitter. Criteria: Invitae Variant Classification Sherloc (09022015). Collection method: clinical testing. Allele origin: germline.

PreventionGenetics, part of Exact Sciences
Classification: Likely benign for DBH-related condition. Last evaluated: 2025-01-24. Review status: criteria provided, single submitter. Criteria: ACMG Guidelines, 2015. Collection method: clinical testing. Allele origin: germline.
Comment: This variant is classified as likely benign based on ACMG/AMP sequence variant interpretation guidelines (Richards et al. 2015 PMID: 25741868, with internal and published modifications).

Illumina Laboratory Services, Illumina
Classification: Benign for Orthostatic hypotension 1. Last evaluated: 2017-04-27. Review status: criteria provided, single submitter. Criteria: ICSL Variant Classification Criteria 13 December 2019. Collection method: clinical testing. Allele origin: germline.
Comment: This variant was observed as part of a predisposition screen in an ostensibly healthy population. A literature search was performed for the gene, cDNA change, and amino acid change (where applicable). No publications were found based on this search. Allele frequency data from public databases was too high to be consistent with this variant causing disease. Therefore, this variant is classified as benign.